The following is an entry in ClinVar:

NM_017882.3(CLN6):c.516T>A (p.Tyr172Ter)

Gene: CLN6 (CLN6 transmembrane ER protein; minus strand). Cytogenetic location: 15q23.
Variant type: single nucleotide variant.
Coding change: c.516T>A on transcript NM_017882.3 (MANE Select); coding-DNA position 516, T replaced by A.
Protein change: p.Tyr172Ter; replaces tyrosine 172 with a stop codon.
Molecular consequence: nonsense.
Genome position (GRCh38, 1-based): chr15:68,211,289, A>T on the plus strand (T>A on the coding strand, the complement: CLN6 is on the minus strand). VCF-style: chr15-68211289-A-T. GRCh37 (hg19) VCF-style: chr15-68503627-A-T.
Other names: c.612T>A, p.Tyr204Ter (NM_001411068.1); c.516T>A (NM_017882.2); short protein forms Y172*, Y204*.
Identifiers: ClinVar variation 3577615 (VCV003577615.2).

ClinVar aggregate classification (germline): Pathogenic/Likely pathogenic. Review status: criteria provided, multiple submitters, no conflicts (2 of 4 stars). 2 submissions from 2 submitters: Pathogenic (1); Likely pathogenic (1). Last evaluated 2025-10-23.

Conditions:
Ceroid lipofuscinosis, neuronal, 6A. Also called: Neuronal ceroid lipofuscinosis, Gypsy/Indian early juvenile variant; Neuronal ceroid lipofuscinosis 6; CLN6-Related Neuronal Ceroid-Lipofuscinosis; Neuronal ceroid lipofuscinosis, late infantile, variant. Identifiers: Orphanet 168491, Orphanet 228363, MedGen C5551375, MONDO:0011144, OMIM 601780.
Ceroid lipofuscinosis, neuronal, 6B (Kufs type). Also called: Neuronal ceroid lipofuscinosis 4A. Identifiers: Orphanet 700477, MedGen C5561927, MONDO:0008768, OMIM 204300.

gnomAD v4.1: 1 of 1,614,026 alleles (0.000062%); highest among the groups gnomAD compares: Non-Finnish European, 0.000085%; no homozygotes.

Submissions (2):

Natera, Inc.
Classification: Likely pathogenic for Ceroid lipofuscinosis, neuronal, 6A. Last evaluated: 2025-10-23. Review status: criteria provided, single submitter. Criteria: Natera Variant Classification Schema (03/2026). Collection method: clinical testing. Allele origin: germline.
Comment: The c.516T>A variant in CLN6 is a nonsense variant predicted to introduce a stop codon at amino acid 172. This variant is expected to result in nonsense mediated decay, truncation, or a dysfunctional protein product. This variant is rare in the general population with a frequency below the threshold expected for the associated phenotype(s). Given the available evidence, this variant is classified as Likely Pathogenic.

Fulgent Genetics
Classification: Pathogenic for Ceroid lipofuscinosis, neuronal, 6B (Kufs type); Ceroid lipofuscinosis, neuronal, 6A. Last evaluated: 2024-05-14. Review status: criteria provided, single submitter. Criteria: ACMG Guidelines, 2015. Collection method: clinical testing. Allele origin: germline.